The following is an entry in ClinVar:

ClinVar aggregate classification (germline): Uncertain significance (1 of 4 stars; one submission).

Conditions:
Weaver syndrome (WVS). Also called: Weaver Smith syndrome; Overgrowth syndrome with accelerated skeletal maturation, unusual facies, and camptodactyly. Identifiers: Orphanet 3447, MedGen C0265210, MONDO:0010193, OMIM 277590.

Allele frequency attached by ClinVar (database versions not stated): TOPMed below 0.00001; gnomAD 0.00001; ExAC 0.00002.
gnomAD v4.1: 30 of 1,553,870 alleles (0.0019%); highest among the groups gnomAD compares: East Asian, 0.0046%; no homozygotes.

Submission:

Labcorp Genetics (formerly Invitae), Labcorp
Classification: Uncertain significance for Weaver syndrome. Last evaluated: 2023-08-04. Review status: criteria provided, single submitter. Criteria: Invitae Variant Classification Sherloc (09022015). Collection method: clinical testing. Allele origin: germline.
Comment: In summary, the available evidence is currently insufficient to determine the role of this variant in disease. Therefore, it has been classified as a Variant of Uncertain Significance. Variants that disrupt the consensus splice site are a relatively common cause of aberrant splicing (PMID: 17576681, 9536098). Algorithms developed to predict the effect of sequence changes on RNA splicing suggest that this variant is not likely to affect RNA splicing. ClinVar contains an entry for this variant (Variation ID: 2044442). This variant has not been reported in the literature in individuals affected with EZH2-related conditions. This variant is present in population databases (rs774474064, gnomAD 0.006%). This sequence change falls in intron 8 of the EZH2 gene. It does not directly change the encoded amino acid sequence of the EZH2 protein. It affects a nucleotide within the consensus splice site.

Literature cited by the submitters: PubMed 17576681; PubMed 9536098.

NM_004456.5(EZH2):c.907+4C>T

Gene: EZH2 (enhancer of zeste 2 polycomb repressive complex 2 subunit; minus strand). Cytogenetic location: 7q36.1.
Variant type: single nucleotide variant.
Coding change: c.907+4C>T on transcript NM_004456.5 (MANE Select); 4 bases into the intron after coding-DNA position 907, C replaced by T.
Molecular consequence: intron variant.
Genome position (GRCh38, 1-based): chr7:148,826,450, G>A on the plus strand (C>T on the coding strand, the complement: EZH2 is on the minus strand). VCF-style: chr7-148826450-G-A. GRCh37 (hg19) VCF-style: chr7-148523542-G-A.
Other names: c.865+19C>T (NM_001203248.2, NM_001203249.2); c.775+19C>T (NM_152998.3); c.892+19C>T (NM_001203247.2).
Identifiers: ClinVar variation 2044442 (VCV002044442.4), dbSNP rs774474064, ClinGen allele CA4548025.